The following is an entry in ClinVar:

ClinVar aggregate classification (germline): Uncertain significance. Review status: criteria provided, multiple submitters, no conflicts (2 of 4 stars). 2 submissions from 2 submitters: Uncertain significance (2). Last evaluated 2024-08-28.

Conditions:
Cardiovascular phenotype. Identifiers: MedGen CN230736.
Arrhythmogenic right ventricular dysplasia 5. Also called: Arrhythmogenic Right Ventricular Dysplasia/Cardiomyopathy 5; ARRHYTHMOGENIC RIGHT VENTRICULAR DYSPLASIA, FAMILIAL, 5. Identifiers: MedGen C1858379, MONDO:0011459, OMIM 604400.

Submissions (2):

Labcorp Genetics (formerly Invitae), Labcorp
Classification: Uncertain significance for Arrhythmogenic right ventricular dysplasia 5. Last evaluated: 2024-08-28. Review status: criteria provided, single submitter. Criteria: Invitae Variant Classification Sherloc (09022015). Collection method: clinical testing. Allele origin: germline.
Comment: This sequence change replaces lysine, which is basic and polar, with glutamic acid, which is acidic and polar, at codon 232 of the TMEM43 protein (p.Lys232Glu). This variant is not present in population databases (gnomAD no frequency). This variant has not been reported in the literature in individuals affected with TMEM43-related conditions. ClinVar contains an entry for this variant (Variation ID: 1756280). Invitae Evidence Modeling of protein sequence and biophysical properties (such as structural, functional, and spatial information, amino acid conservation, physicochemical variation, residue mobility, and thermodynamic stability) indicates that this missense variant is not expected to disrupt TMEM43 protein function with a negative predictive value of 80%. In summary, the available evidence is currently insufficient to determine the role of this variant in disease. Therefore, it has been classified as a Variant of Uncertain Significance.

Ambry Genetics
Classification: Uncertain significance for Cardiovascular phenotype. Last evaluated: 2022-01-19. Review status: criteria provided, single submitter. Criteria: Ambry Variant Classification Scheme 2023. Collection method: clinical testing. Allele origin: germline.
Comment: The p.K232E variant (also known as c.694A>G), located in coding exon 8 of the TMEM43 gene, results from an A to G substitution at nucleotide position 694. The lysine at codon 232 is replaced by glutamic acid, an amino acid with similar properties. This amino acid position is conserved. In addition, this alteration is predicted to be tolerated by in silico analysis. Since supporting evidence is limited at this time, the clinical significance of this alteration remains unclear.

NM_024334.3(TMEM43):c.694A>G (p.Lys232Glu)

Gene: TMEM43 (transmembrane protein 43; plus strand). Cytogenetic location: 3p25.1.
Variant type: single nucleotide variant.
Coding change: c.694A>G on transcript NM_024334.3 (MANE Select); coding-DNA position 694, A replaced by G.
Protein change: p.Lys232Glu; replaces lysine 232 with glutamic acid.
Molecular consequence: missense variant.
Genome position (GRCh38, 1-based): chr3:14,134,880, A>G. VCF-style: chr3-14134880-A-G. GRCh37 (hg19) VCF-style: chr3-14176380-A-G.
Other names: c.697A>G, p.Lys233Glu (NM_001407274.1); c.694A>G, p.Lys232Glu (NM_001407275.1, NM_001407276.1, NM_001407277.1 and 1 more transcripts); c.679A>G, p.Lys227Glu (NM_001407278.1); c.544A>G, p.Lys182Glu (NM_001407280.1); short protein forms K182E, K233E, K232E, K227E.
Identifiers: ClinVar variation 1756280 (VCV001756280.4), dbSNP rs2470188155, ClinGen allele CA351535660.